The following is an entry in ClinVar:

NM_145290.4(ADGRA3):c.2901T>C (p.Asn967=)

Gene: ADGRA3 (adhesion G protein-coupled receptor A3; minus strand). Cytogenetic location: 4p15.2.
Variant type: single nucleotide variant.
Coding change: c.2901T>C on transcript NM_145290.4 (MANE Select); coding-DNA position 2901, T replaced by C.
Protein change: p.Asn967=; no amino-acid change (asparagine 967 retained).
Molecular consequence: synonymous variant.
Genome position (GRCh38, 1-based): chr4:22,388,770, A>G on the plus strand (T>C on the coding strand, the complement: ADGRA3 is on the minus strand). VCF-style: chr4-22388770-A-G. GRCh37 (hg19) VCF-style: chr4-22390393-A-G.
Other names: c.2901T>C (NM_145290.3).
Identifiers: ClinVar variation 1167304 (VCV001167304.12), dbSNP rs141318113, ClinGen allele CA2873486.

ClinVar aggregate classification (germline): Benign. Review status: criteria provided, multiple submitters, no conflicts (2 of 4 stars). 3 submissions from 3 submitters: Benign (2). 1 of the submissions does not count toward it. Last evaluated 2026-01-12.

Conditions:
ADGRA3-related disorder. Also called: ADGRA3-related condition.

Allele frequency attached by ClinVar (database versions not stated): 1000 Genomes Project 30x 0.00031; gnomAD exomes 0.00045 and 0.00074; gnomAD 0.00046 and 0.00049; TOPMed 0.00048; ExAC 0.00057; ESP Exome Variant Server 0.00069.
gnomAD v4.1: 777 of 1,614,048 alleles (0.048%); highest among the groups gnomAD compares: Middle Eastern, 0.033%; 2 homozygotes.

Submissions (3):

Labcorp Genetics (formerly Invitae), Labcorp
Classification: Benign. Last evaluated: 2026-01-12. Review status: criteria provided, single submitter. Criteria: Invitae Variant Classification Sherloc (09022015). Collection method: clinical testing. Allele origin: germline.

Breakthrough Genomics
Classification: Benign. Review status: criteria provided, single submitter. Criteria: ACMG Guidelines, 2015. Collection method: not provided. Allele origin: germline. Inheritance: Unknown mechanism. Affected: yes.

PreventionGenetics, part of Exact Sciences
Classification: Benign for ADGRA3-related condition. Last evaluated: 2019-07-22. Review status: no assertion criteria provided. Collection method: clinical testing. Allele origin: germline. Not counted in ClinVar's aggregate classification.
Comment: This variant is classified as benign based on ACMG/AMP sequence variant interpretation guidelines (Richards et al. 2015 PMID: 25741868, with internal and published modifications).